The following is an entry in ClinVar:

NM_001394998.1(TANC2):c.3535A>T (p.Met1179Leu)

Genes: TANC2 (tetratricopeptide repeat, ankyrin repeat and coiled-coil containing 2; plus strand), LOC105371856 (uncharacterized LOC105371856; minus strand). Cytogenetic location: 17q23.3.
Variant type: single nucleotide variant.
Coding change: c.3535A>T on transcript NM_001394998.1 (MANE Select); coding-DNA position 3535, A replaced by T.
Protein change: p.Met1179Leu; replaces methionine 1179 with leucine.
Molecular consequence: missense variant.
Genome position (GRCh38, 1-based): chr17:63,406,223, A>T. VCF-style: chr17-63406223-A-T. GRCh37 (hg19) VCF-style: chr17-61483584-A-T.
Other names: c.3313A>T, p.Met1105Leu (NM_001411076.1, NM_025185.4); short protein forms M1105L, M1179L.
Identifiers: ClinVar variation 4883346 (VCV004883346.2).

ClinVar aggregate classification (germline): Uncertain significance (1 of 4 stars; one submission).

Submission:

Dasa
Classification: Uncertain significance. Last evaluated: 2026-04-17. Review status: criteria provided, single submitter. Criteria: DASA Assertion Criteria. Collection method: clinical testing. Allele origin: germline.
Comment: NM_001394998.1(TANC2):c.3535A>T (p.Met1179Leu) is a missense variant that results in the substitution of methionine with leucine. This variant is rare in population databases. The currently available literature and clinical evidence are not sufficient to establish a definitive association between this variant and the reported condition. Therefore, this variant is classified as a variant of uncertain significance.